The following is an entry in ClinVar:

NM_001709.5(BDNF):c.-22+788dup

Gene: BDNF (brain derived neurotrophic factor; minus strand). Cytogenetic location: 11p14.1.
Variant type: Duplication.
Coding change: c.-22+788dup on transcript NM_001709.5 (MANE Select); 788 bases into the intron after 22 bases upstream of the start codon, one base duplicated (T; older notation c.-22+788dupT).
Molecular consequence: intron variant.
Genome position (GRCh38, 1-based): chr11:27,699,376, A duplicated on the plus strand (T on the coding strand, the reverse complement: BDNF is on the minus strand). VCF-style (leftmost placement, unchanged base first): chr11-27699375-C-CA. GRCh37 (hg19) VCF-style: chr11-27720922-C-CA.
Other names: c.3+22036dup (NM_170731.5); c.-22+21268dup (NM_001143805.1); c.-22+21053dup (NM_001143806.1); c.-22+20970dup (NM_170732.4); c.-22+20135dup (NM_001143807.2); c.-22+1921dup (NM_170733.4); c.-22+1605dup (NM_001143808.2); c.66+1595dup (NM_001143809.2); and 6 more.
Identifiers: ClinVar variation 4987023 (VCV004987023.1).

ClinVar aggregate classification (germline): Likely benign (1 of 4 stars; one submission).

Conditions:
BDNF-related disorder. Also called: BDNF-related condition.

Submission:

PreventionGenetics, part of Exact Sciences
Classification: Likely benign for BDNF-related condition. Last evaluated: 2024-11-04. Review status: criteria provided, single submitter. Criteria: ACMG Guidelines, 2015. Collection method: clinical testing. Allele origin: germline.
Comment: This variant is classified as likely benign based on ACMG/AMP sequence variant interpretation guidelines (Richards et al. 2015 PMID: 25741868, with internal and published modifications).